The following is an entry in ClinVar:

ClinVar aggregate classification (germline): Uncertain significance. Review status: criteria provided, multiple submitters, no conflicts (2 of 4 stars). 2 submissions from 2 submitters: Uncertain significance (2). Last evaluated 2025-07-11.

Conditions:
Congenital myopathy with fiber type disproportion. Also called: Congenital fiber-type disproportion myopathy; Congenital fiber-type disproportion. Identifiers: Orphanet 2020, MedGen C0546264, MONDO:0009711. Inheritance: all.
Congenital myopathy 4B, autosomal recessive. Also called: Nemaline myopathy 1, autosomal dominant or recessive. Identifiers: Orphanet 171433, Orphanet 171439, Orphanet 171881, MedGen C5829889, MONDO:0012239, OMIM 609284.

Allele frequency attached by ClinVar (database versions not stated): ExAC 0.00001; gnomAD 0.00001.

Submissions (2):

Labcorp Genetics (formerly Invitae), Labcorp
Classification: Uncertain significance for Congenital myopathy with fiber type disproportion; Congenital myopathy 4B, autosomal recessive. Last evaluated: 2025-07-11. Review status: criteria provided, single submitter. Criteria: Invitae Variant Classification Sherloc (09022015). Collection method: clinical testing. Allele origin: germline.
Comment: This sequence change replaces isoleucine, which is neutral and non-polar, with valine, which is neutral and non-polar, at codon 285 of the TPM3 protein (p.Ile285Val). This variant is present in population databases (rs758557977, gnomAD 0.01%). This missense change has been observed in individual(s) with clinical features of autosomal dominant congenital myopathy (internal data). ClinVar contains an entry for this variant (Variation ID: 1045149). An algorithm developed to predict the effect of missense changes on protein structure and function (PolyPhen-2) suggests that this variant is likely to be tolerated. In summary, the available evidence is currently insufficient to determine the role of this variant in disease. Therefore, it has been classified as a Variant of Uncertain Significance.

Revvity Omics, Revvity
Classification: Uncertain significance. Last evaluated: 2021-10-25. Review status: criteria provided, single submitter. Criteria: ACMG Guidelines, 2015. Collection method: clinical testing. Allele origin: germline.

NM_152263.4(TPM3):c.853A>G (p.Ile285Val)

Gene: TPM3 (tropomyosin 3; minus strand). Cytogenetic location: 1q21.3.
Variant type: single nucleotide variant.
Coding change: c.853A>G on transcript NM_152263.4 (MANE Select); coding-DNA position 853, A replaced by G.
Protein change: p.Ile285Val; replaces isoleucine 285 with valine.
Molecular consequence: missense variant. On other transcripts: intron variant (10).
Genome position (GRCh38, 1-based): chr1:154,169,306, T>C on the plus strand (A>G on the coding strand, the complement: TPM3 is on the minus strand). VCF-style: chr1-154169306-T-C. GRCh37 (hg19) VCF-style: chr1-154141782-T-C.
Other names: c.742A>G, p.Ile248Val (NM_001278189.2, NM_001349679.2, NM_001364683.1); c.853A>G, p.Ile285Val (NM_001364682.1); c.775+1094A>G (NM_001364679.2, NM_001364681.2, NM_001364680.2); c.466+1094A>G (NM_001278188.2); c.664+1094A>G (NM_001043351.2, NM_001043353.2, NM_153649.4 and 1 more transcripts); c.601+1094A>G (NM_001278190.2); c.394+1094A>G (NM_001278191.2); short protein forms I285V, I248V.
Identifiers: ClinVar variation 1045149 (VCV001045149.11), dbSNP rs758557977, ClinGen allele CA1125499.